The following is an entry in ClinVar:

ClinVar aggregate classification (germline): Uncertain significance. Review status: criteria provided, multiple submitters, no conflicts (2 of 4 stars). 3 submissions from 3 submitters: Uncertain significance (3). Last evaluated 2025-10-22.

Conditions:
Inborn genetic diseases. Identifiers: MedGen C0950123, MeSH D030342.

Allele frequency attached by ClinVar (database versions not stated): ExAC 0.00005; gnomAD 0.00005; gnomAD exomes 0.00005; TOPMed 0.00008; ESP Exome Variant Server 0.00017.
gnomAD v4.1: 85 of 1,606,424 alleles (0.0053%); highest among the groups gnomAD compares: Non-Finnish European, 0.007%; no homozygotes.

Submissions (3):

Labcorp Genetics (formerly Invitae), Labcorp
Classification: Uncertain significance. Last evaluated: 2025-10-22. Review status: criteria provided, single submitter. Criteria: Invitae Variant Classification Sherloc (09022015). Collection method: clinical testing. Allele origin: germline.
Comment: This sequence change replaces glutamine, which is neutral and polar, with leucine, which is neutral and non-polar, at codon 543 of the ANKRD26 protein (p.Gln543Leu). This variant is present in population databases (rs372423427, gnomAD 0.01%). This variant has not been reported in the literature in individuals affected with ANKRD26-related conditions. ClinVar contains an entry for this variant (Variation ID: 2161980). An algorithm developed to predict the effect of missense changes on protein structure and function (PolyPhen-2) suggests that this variant is likely to be tolerated. In summary, the available evidence is currently insufficient to determine the role of this variant in disease. Therefore, it has been classified as a Variant of Uncertain Significance.

Ambry Genetics
Classification: Uncertain significance for Inborn genetic diseases. Last evaluated: 2025-04-02. Review status: criteria provided, single submitter. Criteria: Ambry Variant Classification Scheme 2023. Collection method: clinical testing. Allele origin: germline.

GeneDx
Classification: Uncertain significance. Last evaluated: 2024-03-14. Review status: criteria provided, single submitter. Criteria: GeneDx Variant Classification Process June 2021. Collection method: clinical testing. Allele origin: germline. Affected: yes.
Comment: In silico analysis supports that this missense variant has a deleterious effect on protein structure/function; Has not been previously published as pathogenic or benign to our knowledge

NM_014915.3(ANKRD26):c.1628A>T (p.Gln543Leu)

Gene: ANKRD26 (ankyrin repeat domain 26; minus strand). Cytogenetic location: 10p12.1.
Variant type: single nucleotide variant.
Coding change: c.1628A>T on transcript NM_014915.3 (MANE Select); coding-DNA position 1628, A replaced by T.
Protein change: p.Gln543Leu; replaces glutamine 543 with leucine.
Molecular consequence: missense variant.
Genome position (GRCh38, 1-based): chr10:27,053,327, T>A on the plus strand (A>T on the coding strand, the complement: ANKRD26 is on the minus strand). VCF-style: chr10-27053327-T-A. GRCh37 (hg19) VCF-style: chr10-27342256-T-A.
Other names: c.1628A>T, p.Gln543Leu (NM_001256053.2); short protein forms Q543L.
Identifiers: ClinVar variation 2161980 (VCV002161980.10), dbSNP rs372423427, ClinGen allele CA5448470.